The following is an entry in ClinVar:

NM_015102.5(NPHP4):c.43C>T (p.Pro15Ser)

Gene: NPHP4 (nephrocystin 4; minus strand). Cytogenetic location: 1p36.31.
Variant type: single nucleotide variant.
Coding change: c.43C>T on transcript NM_015102.5 (MANE Select); coding-DNA position 43, C replaced by T.
Protein change: p.Pro15Ser; replaces proline 15 with serine.
Molecular consequence: missense variant. On other transcripts: 5 prime UTR variant (1), non-coding transcript variant (1), intron variant (1).
Genome position (GRCh38, 1-based): chr1:5,986,247, G>A on the plus strand (C>T on the coding strand, the complement: NPHP4 is on the minus strand). VCF-style: chr1-5986247-G-A. GRCh37 (hg19) VCF-style: chr1-6046307-G-A.
Other names: c.-1187C>T (NM_001291593.2); c.-1088+5997C>T (NM_001291594.2); short protein forms P15S.
Identifiers: ClinVar variation 2152400 (VCV002152400.4), dbSNP rs374373238, ClinGen allele CA554960.
Genomic context (GRCh38, chr1:5,986,247, plus strand): 5'-GGACACACTGGAATGCCGTGGATTCCTTCCAAGGCTGGCGCGCTCTCTGTGGGTGGGGAG[G>A]GACAAGCACGTTTTGGGTGAAGATCCTGTGCCAGTCGTTCATCCTGCCCGCCTGAGGGTC-3'
Protein context (NP_055917.1, residues 5-25): HRIFTQNVLV[Pro15Ser]PHPQRARQPW

ClinVar aggregate classification (germline): Uncertain significance. Review status: criteria provided, multiple submitters, no conflicts (2 of 4 stars). 2 submissions from 2 submitters: Uncertain significance (2). Last evaluated 2024-10-26.

Conditions:
Nephronophthisis. Also called: Juvenile Nephronophthisis. Identifiers: Orphanet 655, MedGen C0687120, MONDO:0019005, HP:0000090.
Nephronophthisis 4 (NPHP4). Also called: NEPHRONOPHTHISIS 4, JUVENILE. Identifiers: Orphanet 655, MedGen C1847013, MONDO:0011752, OMIM 606966.
Senior-Loken syndrome 4 (SLSN4). Identifiers: Orphanet 3156, MedGen C1846979, MONDO:0011756, OMIM 606996.

Allele frequency attached by ClinVar (database versions not stated): gnomAD exomes 0.00001; gnomAD 0.00002; ExAC 0.00003; TOPMed 0.00006; ESP Exome Variant Server 0.00008.
gnomAD v4.1: 16 of 1,613,702 alleles (0.00099%); highest among the groups gnomAD compares: Non-Finnish European, 0.0013%; no homozygotes.

Submissions (2):

Labcorp Genetics (formerly Invitae), Labcorp
Classification: Uncertain significance for Nephronophthisis. Last evaluated: 2024-10-26. Review status: criteria provided, single submitter. Criteria: Invitae Variant Classification Sherloc (09022015). Collection method: clinical testing. Allele origin: germline.
Comment: This sequence change replaces proline, which is neutral and non-polar, with serine, which is neutral and polar, at codon 15 of the NPHP4 protein (p.Pro15Ser). This variant is present in population databases (rs374373238, gnomAD 0.004%). This variant has not been reported in the literature in individuals affected with NPHP4-related conditions. ClinVar contains an entry for this variant (Variation ID: 2152400). An algorithm developed to predict the effect of missense changes on protein structure and function (PolyPhen-2) suggests that this variant is likely to be disruptive. Algorithms developed to predict the effect of sequence changes on RNA splicing suggest that this variant may disrupt the consensus splice site. In summary, the available evidence is currently insufficient to determine the role of this variant in disease. Therefore, it has been classified as a Variant of Uncertain Significance.

Fulgent Genetics
Classification: Uncertain significance for Nephronophthisis 4; Senior-Loken syndrome 4. Last evaluated: 2024-01-13. Review status: criteria provided, single submitter. Criteria: ACMG Guidelines, 2015. Collection method: clinical testing. Allele origin: germline.